The following is an entry in ClinVar:

NM_000545.8(HNF1A):c.842T>C (p.Leu281Pro)

Gene: HNF1A (HNF1 homeobox A; plus strand). Cytogenetic location: 12q24.31.
Variant type: single nucleotide variant.
Coding change: c.842T>C on transcript NM_000545.8 (MANE Select); coding-DNA position 842, T replaced by C.
Protein change: p.Leu281Pro; replaces leucine 281 with proline.
Molecular consequence: missense variant.
Genome position (GRCh38, 1-based): chr12:120,994,292, T>C. VCF-style: chr12-120994292-T-C. GRCh37 (hg19) VCF-style: chr12-121432095-T-C.
Other names: NM_001306179.2:c.842T>C; c.842T>C, p.Leu281Pro (NM_001306179.2, NM_001406915.1); short protein forms L281P.
Identifiers: ClinVar variation 4845627 (VCV004845627.1).

ClinVar aggregate classification (germline): Likely pathogenic (3 of 4 stars; one submission).

Conditions:
Monogenic diabetes. Identifiers: Orphanet 183625, MedGen C3888631, MONDO:0015967.

Submission:

ClinGen Monogenic Diabetes Variant Curation Expert Panel
Classification: Likely pathogenic for Monogenic diabetes. Last evaluated: 2026-04-24. Review status: reviewed by expert panel. Criteria: ClinGen Diabetes ACMG Specifications HNF1A V3.1.0. Collection method: curation. Allele origin: germline. Inheritance: Autosomal dominant inheritance.
Comment: The c.842T>C variant in the HNF1 homeobox A gene, HNF1A, causes an amino acid change of leucine to proline at codon 281 (p.(Leu281Pro)) of NM_000545.8. This variant is absent from gnomAD v4.1.0 (PM2_Supporting). This variant is predicted to be deleterious by computational evidence, with a REVEL score of 0.926, which is greater than the MDEP VCEP threshold of 0.70 (PP3). This variant was identified in four unrelated individuals with non-autoimmune and non-absolute/near-absolute insulin-deficient diabetes (PS4_Moderate; PMID: 18003757, 25555642, internal lab contributors). One of these individuals did have a clinical history highly specific for HNF1A-monogenic diabetes (MODY probability calculator result >50%, negative genetic testing for HNF4A, and negative diabetes autoantibodies) (PP4_Moderate; internal lab contributors). In summary, c.842T>C (p.Leu281Pro) meets the criteria to be classified as likely pathogenic for monogenic diabetes. ACMG/AMP criteria applied, as specified by the ClinGen MDEP (specification version 3.1.0, approved 10/10/2025): PS4_Moderate, PP4_Moderate, PM2_Supporting, PP3.

Literature cited by the submitters: PubMed 18003757; PubMed 25555642.